The following is an entry in ClinVar:

ClinVar aggregate classification (germline): Conflicting classifications of pathogenicity. Review status: criteria provided, conflicting classifications (1 of 4 stars). 4 submissions from 4 submitters: Uncertain significance (2); Likely benign (1). 1 of the submissions does not count toward it. Last evaluated 2025-10-09.

Conditions:
Ehlers-Danlos syndrome, dermatosparaxis type. Also called: Ehlers-Danlos syndrome, type VII, autosomal recessive; EDS VIIC; Dermatosparaxis. Identifiers: Orphanet 1901, MedGen C2700425, MONDO:0009161, OMIM 225410.
Inborn genetic diseases. Identifiers: MedGen C0950123, MeSH D030342.

Allele frequency attached by ClinVar (database versions not stated): gnomAD 0.00001; TOPMed 0.00002; ExAC 0.00003; gnomAD exomes 0.00004.
gnomAD v4.1: 35 of 1,597,648 alleles (0.0022%); highest among the groups gnomAD compares: Admixed American, 0.0053%; no homozygotes.

Submissions (4):

Mayo Clinic Laboratories, Mayo Clinic
Classification: Likely benign. Last evaluated: 2025-10-09. Review status: criteria provided, single submitter. Criteria: ACMG Guidelines, 2015. Collection method: clinical testing. Allele origin: germline. Observed: 1 variant allele.
Comment: BP1, BP4_moderate

Ambry Genetics
Classification: Uncertain significance for Inborn genetic diseases. Last evaluated: 2025-05-07. Review status: criteria provided, single submitter. Criteria: Ambry Variant Classification Scheme 2023. Collection method: clinical testing. Allele origin: germline.

Labcorp Genetics (formerly Invitae), Labcorp
Classification: Uncertain significance for Ehlers-Danlos syndrome, dermatosparaxis type. Last evaluated: 2022-05-31. Review status: criteria provided, single submitter. Criteria: Invitae Variant Classification Sherloc (09022015). Collection method: clinical testing. Allele origin: germline.
Comment: This sequence change replaces valine, which is neutral and non-polar, with methionine, which is neutral and non-polar, at codon 148 of the ADAMTS2 protein (p.Val148Met). This variant is present in population databases (rs780603629, gnomAD 0.01%). This variant has not been reported in the literature in individuals affected with ADAMTS2-related conditions. ClinVar contains an entry for this variant (Variation ID: 646140). Algorithms developed to predict the effect of missense changes on protein structure and function are either unavailable or do not agree on the potential impact of this missense change (SIFT: "Deleterious"; PolyPhen-2: "Benign"; Align-GVGD: "Class C0"). In summary, the available evidence is currently insufficient to determine the role of this variant in disease. Therefore, it has been classified as a Variant of Uncertain Significance.

Natera, Inc.
Classification: Uncertain significance for Ehlers-Danlos syndrome type VIIC. Last evaluated: 2020-12-10. Review status: no assertion criteria provided. Collection method: clinical testing. Allele origin: germline. Not counted in ClinVar's aggregate classification.

NM_014244.5(ADAMTS2):c.442G>A (p.Val148Met)

Gene: ADAMTS2 (ADAM metallopeptidase with thrombospondin type 1 motif 2; minus strand). Cytogenetic location: 5q35.3.
Variant type: single nucleotide variant.
Coding change: c.442G>A on transcript NM_014244.5 (MANE Select); coding-DNA position 442, G replaced by A.
Protein change: p.Val148Met; replaces valine 148 with methionine.
Molecular consequence: missense variant.
Genome position (GRCh38, 1-based): chr5:179,343,859, C>T on the plus strand (G>A on the coding strand, the complement: ADAMTS2 is on the minus strand). VCF-style: chr5-179343859-C-T. GRCh37 (hg19) VCF-style: chr5-178770860-C-T.
Other names: p.Val148Met; c.442G>A, p.Val148Met (NM_021599.4); short protein forms V148M.
Identifiers: ClinVar variation 646140 (VCV000646140.8), dbSNP rs780603629, ClinGen allele CA3596325.
Genomic context (GRCh38, chr5:179,343,859, plus strand): 5'-AGGCTTCGGCTAGGCCGGCCACGTCTCCGACGTAGAGACAGCTCCCGAGCAGGGGCTCCA[C>T]GCGGGTGGTGCCCTTCTCGCCCTGCCACTCCATAGTGGCCCCGGGCGCCACGAGGCGGGC-3'
Protein context (NP_055059.2, residues 138-158): EWQGEKGTTR[Val148Met]EPLLGSCLYV